The following is an entry in ClinVar:

NM_203446.3(SYNJ1):c.1182G>A (p.Gln394=)

Gene: SYNJ1 (synaptojanin 1; minus strand). Cytogenetic location: 21q22.11.
Variant type: single nucleotide variant.
Coding change: c.1182G>A on transcript NM_203446.3 (MANE Select); coding-DNA position 1182, G replaced by A.
Protein change: p.Gln394=; no amino-acid change (glutamine 394 retained).
Molecular consequence: synonymous variant.
Genome position (GRCh38, 1-based): chr21:32,684,056, C>T on the plus strand (G>A on the coding strand, the complement: SYNJ1 is on the minus strand). VCF-style: chr21-32684056-C-T. GRCh37 (hg19) VCF-style: chr21-34056366-C-T.
Other names: c.1299G>A (NM_003895.3); c.1182G>A, p.Gln394= (NM_001160302.2, NM_001160306.2); c.1299G>A, p.Gln433= (NM_003895.4).
Identifiers: ClinVar variation 1169220 (VCV001169220.10), dbSNP rs540183181, ClinGen allele CA10003956.

ClinVar aggregate classification (germline): Benign/Likely benign. Review status: criteria provided, multiple submitters, no conflicts (2 of 4 stars). 2 submissions from 2 submitters: Benign (1); Likely benign (1). Last evaluated 2025-07-21.

Conditions:
SYNJ1-related disorder. Also called: SYNJ1-related condition.
Developmental and epileptic encephalopathy, 53. Also called: Epileptic encephalopathy, early infantile, 53. Identifiers: MedGen C4479313, MONDO:0033362, OMIM 617389.
Early-onset Parkinson disease 20. Also called: PARKINSON DISEASE 20, AUTOSOMAL RECESSIVE EARLY-ONSET. Identifiers: Orphanet 391411, MedGen C3809824, MONDO:0014233, OMIM 615530.

Allele frequency attached by ClinVar (database versions not stated): TOPMed below 0.00001; gnomAD 0.00001; gnomAD exomes 0.00004 and 0.00010; ExAC 0.00014; 1000 Genomes Project 30x 0.00016; 1000 Genomes Project 0.00020.
gnomAD v4.1: 67 of 1,613,556 alleles (0.0042%); highest among the groups gnomAD compares: South Asian, 0.06%; 1 homozygote.

Submissions (2):

Labcorp Genetics (formerly Invitae), Labcorp
Classification: Benign for Developmental and epileptic encephalopathy, 53; Early-onset Parkinson disease 20. Last evaluated: 2025-07-21. Review status: criteria provided, single submitter. Criteria: Invitae Variant Classification Sherloc (09022015). Collection method: clinical testing. Allele origin: germline.

PreventionGenetics, part of Exact Sciences
Classification: Likely benign for SYNJ1-related condition. Last evaluated: 2025-01-25. Review status: criteria provided, single submitter. Criteria: ACMG Guidelines, 2015. Collection method: clinical testing. Allele origin: germline.
Comment: This variant is classified as likely benign based on ACMG/AMP sequence variant interpretation guidelines (Richards et al. 2015 PMID: 25741868, with internal and published modifications).